The following is an entry in ClinVar:

NM_018979.4(WNK1):c.4093G>T (p.Asp1365Tyr)

Gene: WNK1 (WNK lysine deficient protein kinase 1; plus strand). Cytogenetic location: 12p13.33.
Variant type: single nucleotide variant.
Coding change: c.4093G>T on transcript NM_018979.4 (MANE Select); coding-DNA position 4093, G replaced by T.
Protein change: p.Asp1365Tyr; replaces aspartic acid 1365 with tyrosine.
Molecular consequence: missense variant.
Genome position (GRCh38, 1-based): chr12:884,897, G>T. VCF-style: chr12-884897-G-T. GRCh37 (hg19) VCF-style: chr12-994063-G-T.
Other names: c.4873G>T, p.Asp1625Tyr (NM_001184985.2); c.3352G>T, p.Asp1118Tyr (NM_014823.3); c.4849G>T, p.Asp1617Tyr (NM_213655.5); c.4093G>T (NM_018979.3); short protein forms D1365Y, D1625Y, D1118Y, D1617Y.
Identifiers: ClinVar variation 864009 (VCV000864009.10), dbSNP rs1418392646, ClinGen allele CA383330547.

ClinVar aggregate classification (germline): Uncertain significance. Review status: criteria provided, multiple submitters, no conflicts (2 of 4 stars). 2 submissions from 2 submitters: Uncertain significance (2). Last evaluated 2025-07-15.

Conditions:
WNK1-related disorder. Also called: WNK1-related condition.
Pseudohypoaldosteronism type 2C (PHA2C). Also called: Pseudohypoaldosteronism Type IIC. Identifiers: Orphanet 757, Orphanet 88940, MedGen C1840391, MONDO:0013778, OMIM 614492.
Neuropathy, hereditary sensory and autonomic, type 2A (HSAN2A). Also called: ACROOSTEOLYSIS, GIACCAI TYPE; ACROOSTEOLYSIS, NEUROGENIC; MORVAN DISEASE; WNK1-Related HSAN2 (HSAN2A); NEUROPATHY, CONGENITAL SENSORY; NEUROPATHY, HEREDITARY SENSORY RADICULAR, AUTOSOMAL RECESSIVE. Identifiers: Orphanet 970, MedGen C2752089, MONDO:0024309, OMIM 201300.

Allele frequency attached by ClinVar (database versions not stated): gnomAD 0.00001.
gnomAD v4.1: 1 of 1,613,982 alleles (0.000062%); highest among the groups gnomAD compares: African/African-American, 0.0013%; no homozygotes.

Submissions (2):

PreventionGenetics, part of Exact Sciences
Classification: Uncertain significance for WNK1-related condition. Last evaluated: 2025-07-15. Review status: criteria provided, single submitter. Criteria: ACMG Guidelines, 2015. Collection method: clinical testing. Allele origin: germline.
Comment: The WNK1 c.4093G>T variant is predicted to result in the amino acid substitution p.Asp1365Tyr. To our knowledge, this variant has not been reported in the literature. This variant is reported in 0.011% of alleles in individuals of African descent in gnomAD. At this time, the clinical significance of this variant is uncertain due to the absence of conclusive functional and genetic evidence.

Labcorp Genetics (formerly Invitae), Labcorp
Classification: Uncertain significance for Neuropathy, hereditary sensory and autonomic, type 2A; Pseudohypoaldosteronism type 2C. Last evaluated: 2022-09-13. Review status: criteria provided, single submitter. Criteria: Invitae Variant Classification Sherloc (09022015). Collection method: clinical testing. Allele origin: germline.
Comment: This sequence change replaces aspartic acid, which is acidic and polar, with tyrosine, which is neutral and polar, at codon 1617 of the WNK1 protein (p.Asp1617Tyr). This variant is present in population databases (no rsID available, gnomAD 0.01%). This variant has not been reported in the literature in individuals affected with WNK1-related conditions. ClinVar contains an entry for this variant (Variation ID: 864009). Advanced modeling of protein sequence and biophysical properties (such as structural, functional, and spatial information, amino acid conservation, physicochemical variation, residue mobility, and thermodynamic stability) performed at Invitae indicates that this missense variant is not expected to disrupt WNK1 protein function. In summary, the available evidence is currently insufficient to determine the role of this variant in disease. Therefore, it has been classified as a Variant of Uncertain Significance.